The following is an entry in ClinVar:

NM_001131016.2(CIZ1):c.1364T>C (p.Val455Ala)

Gene: CIZ1 (CDKN1A interacting zinc finger protein 1; minus strand). Cytogenetic location: 9q34.11.
Variant type: single nucleotide variant.
Coding change: c.1364T>C on transcript NM_001131016.2 (MANE Select); coding-DNA position 1364, T replaced by C.
Protein change: p.Val455Ala; replaces valine 455 with alanine.
Molecular consequence: missense variant.
Genome position (GRCh38, 1-based): chr9:128,178,843, A>G on the plus strand (T>C on the coding strand, the complement: CIZ1 is on the minus strand). VCF-style: chr9-128178843-A-G. GRCh37 (hg19) VCF-style: chr9-130941122-A-G.
Other names: c.1196T>C, p.Val399Ala (NM_001131015.2); c.1181T>C, p.Val394Ala (NM_001131017.2); c.1124T>C, p.Val375Ala (NM_001131018.2); c.1454T>C, p.Val485Ala (NM_001257975.2); c.1061T>C, p.Val354Ala (NM_001257976.2); c.1364T>C, p.Val455Ala (NM_012127.3); short protein forms V375A, V399A, V455A, V394A, V354A, V485A.
Identifiers: ClinVar variation 1044920 (VCV001044920.9), dbSNP rs531041620, ClinGen allele CA5257325.
Genomic context (GRCh38, chr9:128,178,843, plus strand): 5'-GCCAGCAACGACACCTGCGGCTGGGTGTGAGGCTGCTCATGGGTCTGCTCTGGTGGCTGT[A>G]CTGACACCTGCGCTGGAGGATGCTCCTGTGGCTGGACGCTTGGCTGTGCCTGTGTGTGGA-3'
Protein context (NP_001124488.1, residues 445-465): PQEHPPAQVS[Val455Ala]QPPEQTHEQP

ClinVar aggregate classification (germline): Uncertain significance (1 of 4 stars; one submission).

Conditions:
Dystonic disorder. Also called: Dystonia. Identifiers: MedGen C0013421, MONDO:0003441, HP:0001332.

Allele frequency attached by ClinVar (database versions not stated): gnomAD 0.00001 and 0.00003; gnomAD exomes 0.00001 and 0.00005; TOPMed 0.00001; ExAC 0.00004; 1000 Genomes Project 30x 0.00031; 1000 Genomes Project 0.00040.
gnomAD v4.1: 17 of 1,614,202 alleles (0.0011%); highest among the groups gnomAD compares: East Asian, 0.031%; no homozygotes.

Submission:

Labcorp Genetics (formerly Invitae), Labcorp
Classification: Uncertain significance for Dystonic disorder. Last evaluated: 2024-08-31. Review status: criteria provided, single submitter. Criteria: Invitae Variant Classification Sherloc (09022015). Collection method: clinical testing. Allele origin: germline.
Comment: This sequence change replaces valine, which is neutral and non-polar, with alanine, which is neutral and non-polar, at codon 455 of the CIZ1 protein (p.Val455Ala). This variant is present in population databases (rs531041620, gnomAD 0.06%). This variant has not been reported in the literature in individuals affected with CIZ1-related conditions. ClinVar contains an entry for this variant (Variation ID: 1044920). An algorithm developed to predict the effect of missense changes on protein structure and function outputs the following: PolyPhen-2: "Benign". The alanine amino acid residue is found in multiple mammalian species, which suggests that this missense change does not adversely affect protein function. In summary, the available evidence is currently insufficient to determine the role of this variant in disease. Therefore, it has been classified as a Variant of Uncertain Significance.